The following is an entry in ClinVar:

ClinVar aggregate classification (germline): Conflicting classifications of pathogenicity. Review status: criteria provided, conflicting classifications (1 of 4 stars). 3 submissions from 3 submitters: Pathogenic (1); Uncertain significance (2). Last evaluated 2025-12-18.

Conditions:
Retinitis pigmentosa 43 (RP43). Identifiers: Orphanet 791, MedGen C3151139, MONDO:0013437, OMIM 613810.
PDE6A-related disorder. Also called: PDE6A-related condition.

Submissions (3):

Genetics Department, Catlab
Classification: Uncertain significance for Retinitis pigmentosa 43. Last evaluated: 2025-12-18. Review status: criteria provided, single submitter. Criteria: ACMG Guidelines, 2015. Collection method: clinical testing. Allele origin: germline. Affected: yes.
Comment: The c.1747_1752del variant is a non-frameshift change with deletes six amino acids of the protein in a non repeat region (PM4_moderate). The variant has a low frequency in gnomAD v4.1 (AF=0.00001921) (PM2_moderate). With all the available evidence, the variant is classified as of uncertain significance.

Labcorp Genetics (formerly Invitae), Labcorp
Classification: Uncertain significance. Last evaluated: 2025-12-08. Review status: criteria provided, single submitter. Criteria: Invitae Variant Classification Sherloc (09022015). Collection method: clinical testing. Allele origin: germline.
Comment: This variant, c.1747_1752del, results in the deletion of 2 amino acid(s) of the PDE6A protein (p.Tyr583_Phe584del), but otherwise preserves the integrity of the reading frame. This variant is present in population databases (rs753002443, gnomAD 0.0009%). This variant has been observed in individual(s) with retinitis pigmentosa (internal data). In at least one individual the data is consistent with being in trans (on the opposite chromosome) from a pathogenic variant. ClinVar contains an entry for this variant (Variation ID: 866590). Experimental studies and prediction algorithms are not available or were not evaluated, and the functional significance of this variant is currently unknown. This variant disrupts a region of the PDE6A protein in which other variant(s) (p.Tyr583Asn) have been observed in individuals with PDE6A-related conditions (internal data). This suggests that this is a clinically significant region of the protein, and that variants that disrupt it are likely to be disease-causing. In summary, the available evidence is currently insufficient to determine the role of this variant in disease. Therefore, it has been classified as a Variant of Uncertain Significance.

Blueprint Genetics
Classification: Pathogenic for PDE6A-related disorders. Last evaluated: 2022-05-23. Review status: criteria provided, single submitter. Criteria: ACMG Guidelines, 2015. Collection method: clinical testing. Allele origin: germline. Affected: yes. Observed: 4 variant alleles.

NM_000440.3(PDE6A):c.1747_1752del (p.Tyr583_Phe584del)

Gene: PDE6A (phosphodiesterase 6A; minus strand). Cytogenetic location: 5q32.
Variant type: Deletion.
Coding change: c.1747_1752del on transcript NM_000440.3 (MANE Select); coding-DNA positions 1747 to 1752, 6 bases deleted (TACTTC; older notation c.1747_1752delTACTTC).
Protein change: p.Tyr583_Phe584del.
Molecular consequence: inframe deletion.
Genome position (GRCh38, 1-based): chr5:149,886,351-149,886,356, GAAGTA deleted on the plus strand (TACTTC on the coding strand, the reverse complement: PDE6A is on the minus strand); deleting any 6 consecutive bases within chr5:149,886,351-149,886,357 gives the same sequence; the c. name uses the placement nearest the transcript's 3' end. VCF-style (leftmost placement, unchanged base first): chr5-149886350-TGAAGTA-T. GRCh37 (hg19) VCF-style: chr5-149265913-TGAAGTA-T.
Identifiers: ClinVar variation 866590 (VCV000866590.12), dbSNP rs753002443, ClinGen allele CA3504545.